The following is an entry in ClinVar:

ClinVar aggregate classification (germline): Uncertain significance (1 of 4 stars; one submission).

Allele frequency attached by ClinVar (database versions not stated): gnomAD 0.00001; gnomAD exomes 0.00001; TOPMed 0.00001.
gnomAD v4.1: 19 of 1,567,916 alleles (0.0012%); highest among the groups gnomAD compares: African/African-American, 0.0014%; no homozygotes.

Submission:

Labcorp Genetics (formerly Invitae), Labcorp
Classification: Uncertain significance. Last evaluated: 2023-06-20. Review status: criteria provided, single submitter. Criteria: Invitae Variant Classification Sherloc (09022015). Collection method: clinical testing. Allele origin: germline.
Comment: This sequence change replaces aspartic acid, which is acidic and polar, with glutamic acid, which is acidic and polar, at codon 59 of the PLEKHM2 protein (p.Asp59Glu). In summary, the available evidence is currently insufficient to determine the role of this variant in disease. Therefore, it has been classified as a Variant of Uncertain Significance. An algorithm developed to predict the effect of missense changes on protein structure and function (PolyPhen-2) suggests that this variant is likely to be disruptive. ClinVar contains an entry for this variant (Variation ID: 2163580). This variant has not been reported in the literature in individuals affected with PLEKHM2-related conditions. This variant is not present in population databases (gnomAD no frequency).

NM_015164.4(PLEKHM2):c.177C>A (p.Asp59Glu)

Gene: PLEKHM2 (pleckstrin homology and RUN domain containing M2; plus strand). Cytogenetic location: 1p36.21.
Variant type: single nucleotide variant.
Coding change: c.177C>A on transcript NM_015164.4 (MANE Select); coding-DNA position 177, C replaced by A.
Protein change: p.Asp59Glu; replaces aspartic acid 59 with glutamic acid.
Molecular consequence: missense variant.
Genome position (GRCh38, 1-based): chr1:15,716,716, C>A. VCF-style: chr1-15716716-C-A. GRCh37 (hg19) VCF-style: chr1-16043211-C-A.
Other names: c.177C>A, p.Asp59Glu (NM_001410755.1); short protein forms D59E.
Identifiers: ClinVar variation 2163580 (VCV002163580.4), dbSNP rs1210798014, ClinGen allele CA338578157.